The following is an entry in ClinVar:

NM_001212.4(C1QBP):c.232+3G>A

Genes: C1QBP (complement C1q binding protein; minus strand), LOC130060074 (ATAC-STARR-seq lymphoblastoid silent region 8069; plus strand). Cytogenetic location: 17p13.2.
Variant type: single nucleotide variant.
Coding change: c.232+3G>A on transcript NM_001212.4 (MANE Select); 3 bases into the intron after coding-DNA position 232, G replaced by A.
Molecular consequence: intron variant.
Genome position (GRCh38, 1-based): chr17:5,438,839, C>T on the plus strand (G>A on the coding strand, the complement: C1QBP is on the minus strand). VCF-style: chr17-5438839-C-T. GRCh37 (hg19) VCF-style: chr17-5342159-C-T.
Identifiers: ClinVar variation 3051455 (VCV003051455.2), dbSNP rs983724268, ClinGen allele CA287261487.

ClinVar aggregate classification (germline): Likely benign (0 of 4 stars; one submission).

Conditions:
C1QBP-related disorder. Also called: C1QBP-related condition.

Allele frequency attached by ClinVar (database versions not stated): TOPMed 0.00005; gnomAD 0.00007; gnomAD exomes 0.00010.
gnomAD v4.1: 146 of 1,547,108 alleles (0.0094%); highest among the groups gnomAD compares: Non-Finnish European, 0.013%; no homozygotes.

Submission:

PreventionGenetics, part of Exact Sciences
Classification: Likely benign for C1QBP-related condition. Last evaluated: 2020-01-07. Review status: no assertion criteria provided. Collection method: clinical testing. Allele origin: germline.
Comment: This variant is classified as likely benign based on ACMG/AMP sequence variant interpretation guidelines (Richards et al. 2015 PMID: 25741868, with internal and published modifications).